The following is an entry in ClinVar:

ClinVar aggregate classification (germline): Uncertain significance. Review status: criteria provided, multiple submitters, no conflicts (2 of 4 stars). 8 submissions from 4 submitters: Uncertain significance (8). Last evaluated 2025-11-09.

Conditions:
Cardiovascular phenotype. Identifiers: MedGen CN230736.
Autosomal recessive limb-girdle muscular dystrophy type 2J (LGMDR10). Also called: MUSCULAR DYSTROPHY, LIMB-GIRDLE, AUTOSOMAL RECESSIVE 10; Limb-girdle muscular dystrophy, type 2J. Identifiers: Orphanet 140922, MedGen C1837342, MONDO:0012127, OMIM 608807.
Dilated cardiomyopathy 1G (CMD1G). Identifiers: Orphanet 154, MedGen C1858763, MONDO:0011400, OMIM 604145.
Early-onset myopathy with fatal cardiomyopathy (CMYO5). Also called: CONGENITAL MYOPATHY 5 WITH CARDIOMYOPATHY; Salih Myopathy. Identifiers: Orphanet 289377, MedGen C2673677, MONDO:0012714, OMIM 611705. Disease mechanism: loss of function.
Myopathy, myofibrillar, 9, with early respiratory failure (MFM9). Also called: Myopathy, distal, with early respiratory failure, autosomal dominant; Hereditary myopathy with early respiratory failure; EDSTROM MYOPATHY; MYOPATHY, PROXIMAL, WITH EARLY RESPIRATORY MUSCLE INVOLVEMENT. Identifiers: Orphanet 178464, Orphanet 34521, MedGen C1863599, MONDO:0011362, OMIM 603689.
Tibial muscular dystrophy (TMD). Also called: Tibial muscular dystrophy, tardive; Udd Distal Myopathy – Tibial Muscular Dystrophy; UDD MYOPATHY. Identifiers: Orphanet 609, MedGen C1838244, MONDO:0010870, OMIM 600334.

Allele frequency attached by ClinVar (database versions not stated): TOPMed below 0.00001; gnomAD 0.00001.
gnomAD v4.1: 1 of 1,611,184 alleles (0.000062%); highest among the groups gnomAD compares: Non-Finnish European, 0.000085%; no homozygotes.

Submissions (8):

Labcorp Genetics (formerly Invitae), Labcorp
Classification: Uncertain significance for Dilated cardiomyopathy 1G; Autosomal recessive limb-girdle muscular dystrophy type 2J. Last evaluated: 2025-11-09. Review status: criteria provided, single submitter. Criteria: Invitae Variant Classification Sherloc (09022015). Collection method: clinical testing. Allele origin: germline.
Comment: This sequence change falls in intron 22 of the TTN gene. It does not directly change the encoded amino acid sequence of the TTN protein. It affects a nucleotide within the consensus splice site. This variant is not present in population databases (gnomAD no frequency). This variant has not been reported in the literature in individuals affected with TTN-related conditions. ClinVar contains an entry for this variant (Variation ID: 569437). Variants that disrupt the consensus splice site are a relatively common cause of aberrant splicing (PMID: 17576681, 9536098). Algorithms developed to predict the effect of sequence changes on RNA splicing suggest that this variant is not likely to affect RNA splicing. This variant is located in the Z band of TTN (PMID: 25589632). Non-truncating variants in this region may be clinically relevant, but have not been definitively shown to cause cardiomyopathy or neuromuscular disease (PMID: 27493940, 32778822). In summary, the available evidence is currently insufficient to determine the role of this variant in disease. Therefore, it has been classified as a Variant of Uncertain Significance.

Women's Health and Genetics/Laboratory Corporation of America, LabCorp
Classification: Uncertain significance. Last evaluated: 2025-06-10. Review status: criteria provided, single submitter. Criteria: LabCorp Variant Classification Summary - May 2015. Collection method: clinical testing. Allele origin: germline.
Comment: Variant summary: TTN c.3729+4A>G alters a non-conserved nucleotide located close to a canonical splice site and therefore could affect mRNA splicing, leading to a significantly altered protein sequence. Several computational tools predict a significant impact on normal splicing: One predict the variant abolishes a 5' splicing donor site. Two predict the variant weakens a 5' donor site. However, these predictions have yet to be confirmed by functional studies. The variant was absent in 250578 control chromosomes. The available data on variant occurrences in the general population are insufficient to allow any conclusion about variant significance. To our knowledge, no occurrence of c.3729+4A>G in individuals affected with Autosomal Recessive Titinopathy and no experimental evidence demonstrating its impact on protein function have been reported. ClinVar contains an entry for this variant (Variation ID: 569437). Based on the evidence outlined above, the variant was classified as uncertain significance.

Ambry Genetics
Classification: Uncertain significance for Cardiovascular phenotype. Last evaluated: 2020-11-23. Review status: criteria provided, single submitter. Criteria: Ambry Variant Classification Scheme 2023. Collection method: clinical testing. Allele origin: germline.
Comment: The c.3591+4A>G intronic variant results from an A to G substitution 4 nucleotides after coding exon 20 in the TTN gene. This nucleotide position is well conserved in available vertebrate species. In silico splice site analysis predicts that this alteration will not have any significant effect on splicing. Since supporting evidence is limited at this time, the clinical significance of this alteration remains unclear.

Illumina Laboratory Services, Illumina
Classification: Uncertain significance for Autosomal recessive limb-girdle muscular dystrophy type 2J. Last evaluated: 2018-01-12. Review status: criteria provided, single submitter. Criteria: ICSL Variant Classification Criteria 13 December 2019. Collection method: clinical testing. Allele origin: germline.

Illumina Laboratory Services, Illumina
Classification: Uncertain significance for Myopathy, myofibrillar, 9, with early respiratory failure. Last evaluated: 2018-01-12. Review status: criteria provided, single submitter. Criteria: ICSL Variant Classification Criteria 13 December 2019. Collection method: clinical testing. Allele origin: germline.

Illumina Laboratory Services, Illumina
Classification: Uncertain significance for Dilated cardiomyopathy 1G. Last evaluated: 2018-01-12. Review status: criteria provided, single submitter. Criteria: ICSL Variant Classification Criteria 13 December 2019. Collection method: clinical testing. Allele origin: germline.

Illumina Laboratory Services, Illumina
Classification: Uncertain significance for Tibial muscular dystrophy. Last evaluated: 2018-01-12. Review status: criteria provided, single submitter. Criteria: ICSL Variant Classification Criteria 13 December 2019. Collection method: clinical testing. Allele origin: germline.

Illumina Laboratory Services, Illumina
Classification: Uncertain significance for Early-onset myopathy with fatal cardiomyopathy. Last evaluated: 2018-01-12. Review status: criteria provided, single submitter. Criteria: ICSL Variant Classification Criteria 13 December 2019. Collection method: clinical testing. Allele origin: germline.

Literature cited by the submitters: PubMed 17576681 (cited by Labcorp Genetics (formerly Invitae), Labcorp); PubMed 9536098 (cited by Labcorp Genetics (formerly Invitae), Labcorp); PubMed 25589632 (cited by Labcorp Genetics (formerly Invitae), Labcorp); PubMed 27493940 (cited by Labcorp Genetics (formerly Invitae), Labcorp); PubMed 32778822 (cited by Labcorp Genetics (formerly Invitae), Labcorp).

NM_001267550.2(TTN):c.3729+4A>G

Gene: TTN (titin; minus strand). Cytogenetic location: 2q31.2.
Variant type: single nucleotide variant.
Coding change: c.3729+4A>G on transcript NM_001267550.2 (MANE Select); 4 bases into the intron after coding-DNA position 3729, A replaced by G.
Molecular consequence: intron variant.
Genome position (GRCh38, 1-based): chr2:178,779,996, T>C on the plus strand (A>G on the coding strand, the complement: TTN is on the minus strand). VCF-style: chr2-178779996-T-C. GRCh37 (hg19) VCF-style: chr2-179644723-T-C.
Other names: c.3729+4A>G (NM_133378.4, NM_001256850.1, NM_133379.5); c.3591+4A>G (NM_003319.4, NM_133437.4, NM_133432.3).
Identifiers: ClinVar variation 569437 (VCV000569437.16), dbSNP rs1170576212, ClinGen allele CA761320201.